The following is an entry in ClinVar:

ClinVar aggregate classification (germline): Uncertain significance (1 of 4 stars; one submission).

Allele frequency attached by ClinVar (database versions not stated): TOPMed below 0.00001; gnomAD 0.00001.
gnomAD v4.1: 37 of 1,493,276 alleles (0.0025%); highest among the groups gnomAD compares: Middle Eastern, 0.022%; no homozygotes.

Submission:

Ambry Genetics
Classification: Uncertain significance. Last evaluated: 2023-02-01. Review status: criteria provided, single submitter. Criteria: Ambry Variant Classification Scheme 2023. Collection method: clinical testing. Allele origin: germline.
Comment: The c.92G>C (p.R31P) alteration is located in exon (coding exon ) of the SH3RF3 gene. This alteration results from a G to C substitution at nucleotide position 92, causing the arginine (R) at amino acid position 31 to be replaced by a proline (P). Based on insufficient or conflicting evidence, the clinical significance of this alteration remains unclear.

NM_001099289.3(SH3RF3):c.92G>C (p.Arg31Pro)

Genes: RANBP2 (RAN binding protein 2; plus strand), SH3RF3 (SH3 domain containing ring finger 3; plus strand), SH3RF3-AS1 (SH3RF3 antisense RNA 1; minus strand). Cytogenetic location: 2q13.
Variant type: single nucleotide variant.
Coding change: c.92G>C on transcript NM_001099289.3 (MANE Select); coding-DNA position 92, G replaced by C.
Protein change: p.Arg31Pro; replaces arginine 31 with proline.
Molecular consequence: missense variant. On other transcripts: non-coding transcript variant (1).
Genome position (GRCh38, 1-based): chr2:109,129,632, G>C. VCF-style: chr2-109129632-G-C. GRCh37 (hg19) VCF-style: chr2-109746088-G-C.
Other names: short protein forms R31P.
Identifiers: ClinVar variation 2473816 (VCV002473816.2), dbSNP rs1676633128, ClinGen allele CA348117999.